The following is an entry in ClinVar:

ClinVar aggregate classification (germline): Likely pathogenic (1 of 4 stars; one submission).

Conditions:
Inborn genetic diseases. Identifiers: MedGen C0950123, MeSH D030342.

Submission:

Ambry Genetics
Classification: Likely pathogenic for Inborn genetic diseases. Last evaluated: 2025-04-16. Review status: criteria provided, single submitter. Criteria: Ambry Variant Classification Scheme 2023. Collection method: clinical testing. Allele origin: germline.
Comment: The c.964-4_964delACAGAinsCGGCTTT variant results from a deletion of 5 nucleotides and insertion of 7 nucleotides at positions c.964-4 to c.964 and involves the canonical splice acceptor site before coding exon 10 of the EDAR gene. This alteration occurs at the 3' terminus of the EDAR gene, is not expected to trigger nonsense-mediated mRNA decay, and only impacts the last 39% of the protein. The exact functional effect of this alteration is unknown; however, the region predicted to be impacted is critical for protein function (Ambry internal data). for autosomal recessive EDAR-related hypohidrotic ectodermal dysplasia; however, its clinical significance for the autosomal dominant EDAR-related ectodermal dysplasias is uncertain. Although biallelic loss of function of EDAR has been associated with autosomal recessive EDAR-related hypohidrotic ectodermal dysplasia, haploinsufficiency of EDAR has not been established as a mechanism of disease for autosomal dominant EDAR-related ectodermal dysplasia. This variant was not reported in population-based cohorts in the Genome Aggregation Database (gnomAD). These nucleotide positions are highly conserved in available vertebrate species. In silico splice site analysis predicts that this alteration will weaken the native splice acceptor site and may result in the creation or strengthening of a novel splice acceptor site. Based on the available evidence, this alteration is classified as likely pathogenic.

NM_022336.4(EDAR):c.964-4_964delinsCGGCTTT

Genes: EDAR (ectodysplasin A receptor; minus strand), RANBP2 (RAN binding protein 2; plus strand). Cytogenetic location: 2q13.
Variant type: Indel.
Coding change: c.964-4_964delinsCGGCTTT on transcript NM_022336.4 (MANE Select); 4 bases into the intron before coding-DNA position 964 through coding-DNA position 964, ACAGA replaced by CGGCTTT.
Molecular consequence: splice acceptor variant.
Genome position (GRCh38, 1-based): chr2:108,906,368-108,906,372, TCTGT replaced by AAAGCCG on the plus strand (ACAGA replaced by CGGCTTT on the coding strand, the reverse complement: EDAR is on the minus strand). VCF-style: chr2-108906368-TCTGT-AAAGCCG. GRCh37 (hg19) VCF-style: chr2-109522824-TCTGT-AAAGCCG.
Identifiers: ClinVar variation 4016149 (VCV004016149.1).
Genomic context (GRCh38, chr2:108,906,368, plus strand): 5'-CTTCCACGACTCCACACACGTTGGCATACACATCGAGGATCTTTTTCCTCCGGCTTTGAA[TCTGT>AAAGCCG]GAAAAAGAGTCGAGAATTTTCATCTCCAGAAAGGGGCAACAGTAGAAAGGAGGCAAATCC-3'